The following is an entry in ClinVar:

ClinVar aggregate classification (germline): Uncertain significance (1 of 4 stars; one submission).

Conditions:
Long QT syndrome (LQTS). Identifiers: MedGen C0023976, MeSH D008133, MONDO:0002442. Disease mechanism: loss of function. Inheritance: Various modes of inheritance.

Allele frequency attached by ClinVar (database versions not stated): ExAC 0.00002; gnomAD exomes 0.00002; gnomAD 0.00003; TOPMed 0.00006.
gnomAD v4.1: 37 of 1,613,932 alleles (0.0023%); highest among the groups gnomAD compares: Admixed American, 0.013%; no homozygotes.

Submission:

Labcorp Genetics (formerly Invitae), Labcorp
Classification: Uncertain significance for Long QT syndrome. Last evaluated: 2024-12-20. Review status: criteria provided, single submitter. Criteria: Invitae Variant Classification Sherloc (09022015). Collection method: clinical testing. Allele origin: germline.
Comment: This sequence change replaces proline, which is neutral and non-polar, with leucine, which is neutral and non-polar, at codon 1926 of the ANK2 protein (p.Pro1926Leu). This variant is present in population databases (rs764446660, gnomAD 0.009%). This variant has not been reported in the literature in individuals affected with ANK2-related conditions. ClinVar contains an entry for this variant (Variation ID: 1501828). An algorithm developed to predict the effect of missense changes on protein structure and function (PolyPhen-2) suggests that this variant is likely to be tolerated. In summary, the available evidence is currently insufficient to determine the role of this variant in disease. Therefore, it has been classified as a Variant of Uncertain Significance.

NM_001148.6(ANK2):c.5777C>T (p.Pro1926Leu)

Genes: ANK2 (ankyrin 2; plus strand), LOC126807136 (MED14-independent group 3 enhancer GRCh37_chr4:114274931-114276130; plus strand). Cytogenetic location: 4q26.
Variant type: single nucleotide variant.
Coding change: c.5777C>T on transcript NM_001148.6 (MANE Select); coding-DNA position 5777, C replaced by T.
Protein change: p.Pro1926Leu; replaces proline 1926 with leucine.
Molecular consequence: missense variant. On other transcripts: intron variant (68).
Genome position (GRCh38, 1-based): chr4:113,354,395, C>T. VCF-style: chr4-113354395-C-T. GRCh37 (hg19) VCF-style: chr4-114275551-C-T.
Other names: c.5543C>T, p.Pro1848Leu (NM_001386142.1); c.2177C>T, p.Pro726Leu (NM_001386166.1); c.5918C>T, p.Pro1973Leu (NM_001386174.1); c.5894C>T, p.Pro1965Leu (NM_001386175.1); c.4411+4146C>T (NM_001386186.2, NM_001386148.2); c.4213+4146C>T (NM_001354269.3); c.4291+4146C>T (NM_001386187.2); c.4252+4146C>T (NM_001386147.1); and 35 more; short protein forms P1848L, P1926L, P1965L, P1973L, P726L.
Identifiers: ClinVar variation 1501828 (VCV001501828.6), dbSNP rs764446660, ClinGen allele CA3051294.